The following is an entry in ClinVar:

NM_001369.3(DNAH5):c.9220T>A (p.Phe3074Ile)

Gene: DNAH5 (dynein axonemal heavy chain 5; minus strand). Cytogenetic location: 5p15.2.
Variant type: single nucleotide variant.
Coding change: c.9220T>A on transcript NM_001369.3 (MANE Select); coding-DNA position 9220, T replaced by A.
Protein change: p.Phe3074Ile; replaces phenylalanine 3074 with isoleucine.
Molecular consequence: missense variant.
Genome position (GRCh38, 1-based): chr5:13,776,592, A>T on the plus strand (T>A on the coding strand, the complement: DNAH5 is on the minus strand). VCF-style: chr5-13776592-A-T. GRCh37 (hg19) VCF-style: chr5-13776701-A-T.
Other names: short protein forms F3074I.
Identifiers: ClinVar variation 1766245 (VCV001766245.2), dbSNP rs2546679072, ClinGen allele CA359209057.

ClinVar aggregate classification (germline): Uncertain significance (1 of 4 stars; one submission).

Conditions:
Primary ciliary dyskinesia. Also called: Ciliary dyskinesia. Identifiers: Orphanet 244, MedGen C0008780, MONDO:0016575, HP:0012265.

Allele frequency attached by ClinVar (database versions not stated): gnomAD exomes below 0.00001.
gnomAD v4.1: 1 of 1,613,948 alleles (0.000062%); highest among the groups gnomAD compares: Non-Finnish European, 0.000085%; no homozygotes.

Submission:

Ambry Genetics
Classification: Uncertain significance for Primary ciliary dyskinesia. Last evaluated: 2015-05-22. Review status: criteria provided, single submitter. Criteria: Ambry Variant Classification Scheme 2023. Collection method: clinical testing. Allele origin: germline.
Comment: The p.F3074I variant (also known as c.9220T>A), located in coding exon 55 of the DNAH5 gene, results from a T to A substitution at nucleotide position 9220. The phenylalanine at codon 3074 is replaced by isoleucine, an amino acid with highly similar properties. This variant was not reported in population based cohorts in the following databases: Database of Single Nucleotide Polymorphisms (dbSNP), NHLBI Exome Sequencing Project (ESP), and 1000 Genomes Project. In the ESP, this variant was not observed in 6503 samples (13006 alleles) with coverage at this position. This amino acid position is highly conserved in available vertebrate species. In addition, this alteration is predicted to be deleterious by in silico analysis. Since supporting evidence is limited at this time, the clinical significance of this variant remains unclear.